The following is an entry in ClinVar:

NM_001377142.1(PLCB4):c.1897C>T (p.Arg633Cys)

Gene: PLCB4 (phospholipase C beta 4; plus strand). Cytogenetic location: 20p12.2.
Variant type: single nucleotide variant.
Coding change: c.1897C>T on transcript NM_001377142.1 (MANE Select); coding-DNA position 1897, C replaced by T.
Protein change: p.Arg633Cys; replaces arginine 633 with cysteine.
Molecular consequence: missense variant.
Genome position (GRCh38, 1-based): chr20:9,409,079, C>T. VCF-style: chr20-9409079-C-T. GRCh37 (hg19) VCF-style: chr20-9389726-C-T.
Other names: c.1861C>T, p.Arg621Cys (NM_000933.4, NM_001377134.2, NM_001377135.1 and 2 more transcripts); c.1897C>T, p.Arg633Cys (NM_001172646.2, NM_001377143.1); short protein forms R621C, R633C.
Identifiers: ClinVar variation 31640 (VCV000031640.6), dbSNP rs397514482, ClinGen allele CA129866.

ClinVar aggregate classification (germline): Pathogenic. Review status: criteria provided, multiple submitters, no conflicts (2 of 4 stars). 5 submissions from 5 submitters: Pathogenic (4). 1 of the submissions does not count toward it. Last evaluated 2026-06-09.

Conditions:
PLCB4-related disorder. Also called: PLCB4-related condition.
Auriculocondylar syndrome 1 (ARCND1). Identifiers: Orphanet 137888, MedGen C4551996, MONDO:0011234, OMIM 602483.
Auriculocondylar syndrome 2 (ARCND2A). Also called: AURICULOCONDYLAR SYNDROME 2A. Identifiers: Orphanet 137888, MedGen C3553404, MONDO:0013845, OMIM 614669.

Allele frequency attached by ClinVar (database versions not stated): gnomAD 0.00001.

Submissions (5):

GeneDx
Classification: Pathogenic. Last evaluated: 2026-06-09. Review status: criteria provided, single submitter. Criteria: GeneDx Variant Classification Process June 2021. Collection method: clinical testing. Allele origin: germline.
Comment: Not observed at significant frequency in large population cohorts (gnomAD); In silico analysis supports that this missense variant has a deleterious effect on protein structure/function; This variant is associated with the following publications: (PMID: 22560091, 35170830, 18314001, 23315542, 38414442, 38618928)

Labcorp Genetics (formerly Invitae), Labcorp
Classification: Pathogenic. Last evaluated: 2024-12-21. Review status: criteria provided, single submitter. Criteria: Invitae Variant Classification Sherloc (09022015). Collection method: clinical testing. Allele origin: germline.
Comment: This sequence change replaces arginine, which is basic and polar, with cysteine, which is neutral and slightly polar, at codon 621 of the PLCB4 protein (p.Arg621Cys). This variant is present in population databases (rs397514482, gnomAD 0.01%). This missense change has been observed in individual(s) with autosomal dominant auriculocondylar syndrome (PMID: 22560091, 35170830). In at least one individual the variant was observed to be de novo. ClinVar contains an entry for this variant (Variation ID: 31640). Invitae Evidence Modeling of protein sequence and biophysical properties (such as structural, functional, and spatial information, amino acid conservation, physicochemical variation, residue mobility, and thermodynamic stability) indicates that this missense variant is expected to disrupt PLCB4 protein function with a positive predictive value of 80%. Algorithms developed to predict the effect of sequence changes on RNA splicing suggest that this variant may disrupt the consensus splice site. This variant disrupts the p.Arg621 amino acid residue in PLCB4. Other variant(s) that disrupt this residue have been determined to be pathogenic (PMID: 22560091). This suggests that this residue is clinically significant, and that variants that disrupt this residue are likely to be disease-causing. For these reasons, this variant has been classified as Pathogenic.

Blueprint Genetics
Classification: Pathogenic for PLCB4-related disorders. Last evaluated: 2024-01-29. Review status: criteria provided, single submitter. Criteria: ACMG Guidelines, 2015. Collection method: clinical testing. Allele origin: germline. Affected: yes. Observed: 2 variant alleles.

University of Washington Center for Mendelian Genomics, University of Washington
Classification: Pathogenic for Auriculocondylar syndrome 1. Last evaluated: 2012-09-17. Review status: criteria provided, single submitter. Criteria: submitter's publication. Collection method: research. Allele origin: inherited. Affected: yes.

OMIM
Classification: Pathogenic for AURICULOCONDYLAR SYNDROME 2. Last evaluated: 2013-03-01. Review status: no assertion criteria provided. Collection method: literature only. Allele origin: germline. Not counted in ClinVar's aggregate classification.

Literature cited by the submitters: PubMed 22560091 (cited by Labcorp Genetics (formerly Invitae), Labcorp and OMIM); PubMed 35170830 (cited by Labcorp Genetics (formerly Invitae), Labcorp); PubMed 18314001 (cited by OMIM); PubMed 23315542 (cited by OMIM).